The following is an entry in ClinVar:

ClinVar aggregate classification (germline): Pathogenic (1 of 4 stars; one submission).

Conditions:
Familial intrahepatic cholestasis. Identifiers: Orphanet 284385, MedGen CN296401, MONDO:0017290.

Submission:

Genomenon, Inc
Classification: Pathogenic for Familial intrahepatic cholestasis. Last evaluated: 2026-04-14. Review status: criteria provided, single submitter. Criteria: Genomenon Sequence Variant Interpretation Standards - Updated. Collection method: curation. Allele origin: germline. Affected: yes.
Comment: ABCB4 p.Asn656LeufsTer7 (c.1965_1969del) is a frameshift variant that results in the production of a truncated protein which is predicted to undergo nonsense-mediated mRNA decay. This variant has been observed in at least one proband with an ABCB4-related disorder (PMID:38343606). It is absent or not present at a significant frequency in gnomAD. In conclusion, we classify ABCB4 p.Asn656LeufsTer7 (c.1965_1969del) as a pathogenic variant.

Literature cited by the submitters: PubMed 38343606.

NM_000443.4(ABCB4):c.1965_1969del (p.Asn656fs)

Gene: ABCB4 (ATP binding cassette subfamily B member 4; minus strand). Cytogenetic location: 7q21.12.
Variant type: Deletion.
Coding change: c.1965_1969del on transcript NM_000443.4 (MANE Select); coding-DNA positions 1965 to 1969, 5 bases deleted (AAATG; older notation c.1965_1969delAAATG).
Protein change: p.Asn656fs; shifts the reading frame from asparagine 656.
Molecular consequence: frameshift variant.
Genome position (GRCh38, 1-based): chr7:87,426,845-87,426,849, CATTT deleted on the plus strand (AAATG on the coding strand, the reverse complement: ABCB4 is on the minus strand). VCF-style (leftmost placement, unchanged base first): chr7-87426844-CCATTT-C. GRCh37 (hg19) VCF-style: chr7-87056160-CCATTT-C.
Other names: c.1965_1969del, p.Asn656fs (NM_018849.3, NM_018850.3); short protein forms N656fs.
Identifiers: ClinVar variation 4846567 (VCV004846567.1).